The following is an entry in ClinVar:

ClinVar aggregate classification (germline): Uncertain significance (1 of 4 stars; one submission).

Allele frequency attached by ClinVar (database versions not stated): gnomAD exomes below 0.00001.
gnomAD v4.1: 1 of 1,210,456 alleles (0.000083%); highest among the groups gnomAD compares: Admixed American, 0.0022%; no homozygotes.

Submission:

Labcorp Genetics (formerly Invitae), Labcorp
Classification: Uncertain significance. Last evaluated: 2023-07-31. Review status: criteria provided, single submitter. Criteria: Invitae Variant Classification Sherloc (09022015). Collection method: clinical testing. Allele origin: germline.
Comment: In summary, the available evidence is currently insufficient to determine the role of this variant in disease. Therefore, it has been classified as a Variant of Uncertain Significance. Advanced modeling of protein sequence and biophysical properties (such as structural, functional, and spatial information, amino acid conservation, physicochemical variation, residue mobility, and thermodynamic stability) performed at Invitae indicates that this missense variant is not expected to disrupt BRWD3 protein function. This variant has not been reported in the literature in individuals affected with BRWD3-related conditions. This variant is present in population databases (no rsID available, gnomAD 0.004%). This sequence change replaces valine, which is neutral and non-polar, with isoleucine, which is neutral and non-polar, at codon 630 of the BRWD3 protein (p.Val630Ile).

NM_153252.5(BRWD3):c.1888G>A (p.Val630Ile)

Gene: BRWD3 (bromodomain and WD repeat domain containing 3; minus strand). Cytogenetic location: Xq21.1.
Variant type: single nucleotide variant.
Coding change: c.1888G>A on transcript NM_153252.5 (MANE Select); coding-DNA position 1888, G replaced by A.
Protein change: p.Val630Ile; replaces valine 630 with isoleucine.
Molecular consequence: missense variant.
Genome position (GRCh38, 1-based): chrX:80,719,645, C>T on the plus strand (G>A on the coding strand, the complement: BRWD3 is on the minus strand). VCF-style: chrX-80719645-C-T. GRCh37 (hg19) VCF-style: chrX-79975144-C-T.
Other names: short protein forms V630I.
Identifiers: ClinVar variation 2850755 (VCV002850755.3), dbSNP rs1410633796, ClinGen allele CA413634116.